The following is an entry in ClinVar:

NM_005732.4(RAD50):c.2353G>A (p.Ala785Thr)

Gene: RAD50 (RAD50 double strand break repair protein; plus strand). Cytogenetic location: 5q31.1.
Variant type: single nucleotide variant.
Coding change: c.2353G>A on transcript NM_005732.4 (MANE Select); coding-DNA position 2353, G replaced by A.
Protein change: p.Ala785Thr; replaces alanine 785 with threonine.
Molecular consequence: missense variant.
Genome position (GRCh38, 1-based): chr5:132,603,445, G>A. VCF-style: chr5-132603445-G-A. GRCh37 (hg19) VCF-style: chr5-131939137-G-A.
Other names: short protein forms A785T.
Identifiers: ClinVar variation 862240 (VCV000862240.13), dbSNP rs1750924500, ClinGen allele CA360954871.

ClinVar aggregate classification (germline): Uncertain significance. Review status: criteria provided, multiple submitters, no conflicts (2 of 4 stars). 2 submissions from 2 submitters: Uncertain significance (2). Last evaluated 2025-06-30.

Conditions:
Hereditary cancer-predisposing syndrome. Also called: Tumor predisposition; Hereditary neoplastic syndrome; Neoplastic Syndromes, Hereditary; Hereditary Cancer Syndrome. Identifiers: Orphanet 140162, MedGen C0027672, MeSH D009386, MONDO:0015356.

Submissions (2):

Ambry Genetics
Classification: Uncertain significance for Hereditary cancer-predisposing syndrome. Last evaluated: 2025-06-30. Review status: criteria provided, single submitter. Criteria: Ambry Variant Classification Scheme 2023. Collection method: clinical testing. Allele origin: germline.
Comment: The p.A785T variant (also known as c.2353G>A), located in coding exon 14 of the RAD50 gene, results from a G to A substitution at nucleotide position 2353. The alanine at codon 785 is replaced by threonine, an amino acid with similar properties. This amino acid position is conserved. In addition, the in silico prediction for this alteration is inconclusive. Since supporting evidence is limited at this time, the clinical significance of this alteration remains unclear.

Labcorp Genetics (formerly Invitae), Labcorp
Classification: Uncertain significance for Hereditary cancer-predisposing syndrome. Last evaluated: 2025-06-09. Review status: criteria provided, single submitter. Criteria: Invitae Variant Classification Sherloc (09022015). Collection method: clinical testing. Allele origin: germline.
Comment: This sequence change replaces alanine, which is neutral and non-polar, with threonine, which is neutral and polar, at codon 785 of the RAD50 protein (p.Ala785Thr). This variant is not present in population databases (gnomAD no frequency). This variant has not been reported in the literature in individuals affected with RAD50-related conditions. ClinVar contains an entry for this variant (Variation ID: 862240). Invitae Evidence Modeling of protein sequence and biophysical properties (such as structural, functional, and spatial information, amino acid conservation, physicochemical variation, residue mobility, and thermodynamic stability) indicates that this missense variant is expected to disrupt RAD50 protein function with a positive predictive value of 80%. In summary, the available evidence is currently insufficient to determine the role of this variant in disease. Therefore, it has been classified as a Variant of Uncertain Significance.